The following is an entry in ClinVar:

ClinVar aggregate classification (germline): Likely benign (1 of 4 stars; one submission).

Submission:

CeGaT Center for Human Genetics Tuebingen
Classification: Likely benign. Last evaluated: 2023-02-01. Review status: criteria provided, single submitter. Criteria: CeGaT Center For Human Genetics Tuebingen Variant Classification Criteria Version 2. Collection method: clinical testing. Allele origin: germline. Affected: yes. Observed: 1 variant allele.
Comment: APOB: PM2:Supporting, BP4, BP7

NM_000384.3(APOB):c.4266T>C (p.Cys1422=)

Gene: APOB (apolipoprotein B; minus strand). Cytogenetic location: 2p24.1.
Variant type: single nucleotide variant.
Coding change: c.4266T>C on transcript NM_000384.3 (MANE Select); coding-DNA position 4266, T replaced by C.
Protein change: p.Cys1422=; no amino-acid change (cysteine 1422 retained).
Molecular consequence: synonymous variant.
Genome position (GRCh38, 1-based): chr2:21,012,602, A>G on the plus strand (T>C on the coding strand, the complement: APOB is on the minus strand). VCF-style: chr2-21012602-A-G. GRCh37 (hg19) VCF-style: chr2-21235474-A-G.
Identifiers: ClinVar variation 2498803 (VCV002498803.28), dbSNP rs2465379183, ClinGen allele CA425347189.